The following is an entry in ClinVar:

NM_198407.2(GHSR):c.*378T>C

Gene: GHSR (growth hormone secretagogue receptor; minus strand). Cytogenetic location: 3q26.31.
Variant type: single nucleotide variant.
Coding change: c.*378T>C on transcript NM_198407.2 (MANE Select); 378 bases downstream of the stop codon, T replaced by C.
Molecular consequence: 3 prime UTR variant.
Genome position (GRCh38, 1-based): chr3:172,444,783, A>G on the plus strand (T>C on the coding strand, the complement: GHSR is on the minus strand). VCF-style: chr3-172444783-A-G. GRCh37 (hg19) VCF-style: chr3-172162573-A-G.
Identifiers: ClinVar variation 901871 (VCV000901871.4), dbSNP rs183870776, ClinGen allele CA87781294.

ClinVar aggregate classification (germline): Likely benign (1 of 4 stars; one submission).

Conditions:
Short stature due to growth hormone secretagogue receptor deficiency (GHDP). Also called: Short stature due to GHSR deficiency. Identifiers: Orphanet 314811, MedGen C5887324, MONDO:0014403, OMIM 615925.

Allele frequency attached by ClinVar (database versions not stated): 1000 Genomes Project 0.00060; 1000 Genomes Project 30x 0.00062; TOPMed 0.00176; gnomAD 0.00313 and 0.00329.
gnomAD v4.1: 470 of 152,296 alleles (0.31%); highest among the groups gnomAD compares: Non-Finnish European, 0.35%; 3 homozygotes.

Submission:

Illumina Laboratory Services, Illumina
Classification: Likely benign for Short stature due to growth hormone secretagogue receptor deficiency. Last evaluated: 2018-01-12. Review status: criteria provided, single submitter. Criteria: ICSL Variant Classification Criteria 13 December 2019. Collection method: clinical testing. Allele origin: germline.
Comment: This variant was observed in the ICSL laboratory as part of a predisposition screen in an ostensibly healthy population. It had not been previously curated by ICSL or reported in the Human Gene Mutation Database (HGMD: prior to June 1st, 2018), and was therefore a candidate for classification through an automated scoring system. Utilizing variant allele frequency, disease prevalence and penetrance estimates, and inheritance mode, an automated score was calculated to assess if this variant is too frequent to cause the disease. Based on the score and internal cut-off values, a variant classified as likely benign is not then subjected to further curation. The score for this variant resulted in a classification of likely benign for this disease.